The following is an entry in ClinVar:

ClinVar aggregate classification (germline): Uncertain significance (1 of 4 stars; one submission).

Submission:

Labcorp Genetics (formerly Invitae), Labcorp
Classification: Uncertain significance. Last evaluated: 2026-01-26. Review status: criteria provided, single submitter. Criteria: Invitae Variant Classification Sherloc (09022015). Collection method: clinical testing. Allele origin: germline.
Comment: This sequence change replaces histidine, which is basic and polar, with proline, which is neutral and non-polar, at codon 2091 of the PKD1L1 protein (p.His2091Pro). This variant is not present in population databases (gnomAD no frequency). This variant has not been reported in the literature in individuals affected with PKD1L1-related conditions. Invitae Evidence Modeling of protein sequence and biophysical properties (such as structural, functional, and spatial information, amino acid conservation, physicochemical variation, residue mobility, and thermodynamic stability) indicates that this missense variant is not expected to disrupt PKD1L1 protein function with a negative predictive value of 80%. In summary, the available evidence is currently insufficient to determine the role of this variant in disease. Therefore, it has been classified as a Variant of Uncertain Significance.

NM_138295.5(PKD1L1):c.6272A>C (p.His2091Pro)

Gene: PKD1L1 (polycystin 1 like 1, transient receptor potential channel interacting; minus strand). Cytogenetic location: 7p12.3.
Variant type: single nucleotide variant.
Coding change: c.6272A>C on transcript NM_138295.5 (MANE Select); coding-DNA position 6272, A replaced by C.
Protein change: p.His2091Pro; replaces histidine 2091 with proline.
Molecular consequence: missense variant.
Genome position (GRCh38, 1-based): chr7:47,833,155, T>G on the plus strand (A>C on the coding strand, the complement: PKD1L1 is on the minus strand). VCF-style: chr7-47833155-T-G. GRCh37 (hg19) VCF-style: chr7-47872753-T-G.
Other names: short protein forms H2091P.
Identifiers: ClinVar variation 4741144 (VCV004741144.1).